The following is an entry in ClinVar:

NM_022124.6(CDH23):c.4357C>T (p.Gln1453Ter)

Gene: CDH23 (cadherin related 23; plus strand). Cytogenetic location: 10q22.1.
Variant type: single nucleotide variant.
Coding change: c.4357C>T on transcript NM_022124.6 (MANE Select); coding-DNA position 4357, C replaced by T.
Protein change: p.Gln1453Ter; replaces glutamine 1453 with a stop codon.
Molecular consequence: nonsense.
Genome position (GRCh38, 1-based): chr10:71,738,645, C>T. VCF-style: chr10-71738645-C-T. GRCh37 (hg19) VCF-style: chr10-73498402-C-T.
Other names: short protein forms Q1453*.
Identifiers: ClinVar variation 4064099 (VCV004064099.2).

ClinVar aggregate classification (germline): Likely pathogenic (1 of 4 stars; one submission).

Conditions:
Usher syndrome type 1 (USH1). Also called: RETINITIS PIGMENTOSA AND CONGENITAL DEAFNESS. Identifiers: Orphanet 231169, Orphanet 886, MedGen C1568247, MONDO:0010168, OMIM 276900.

Submission:

Natera, Inc.
Classification: Likely pathogenic for Usher syndrome type 1. Last evaluated: 2025-03-21. Review status: criteria provided, single submitter. Criteria: Natera Variant Classification Schema (03/2026). Collection method: clinical testing. Allele origin: germline.
Comment: The c.4357C>T variant in CDH23 is a nonsense variant predicted to introduce a stop codon at amino acid 1453. This variant is expected to result in nonsense mediated decay, truncation, or a dysfunctional protein product. This variant is rare in the general population with a frequency below the threshold expected for the associated phenotype(s). Given the available evidence, this variant is classified as Likely Pathogenic.